The following is an entry in ClinVar:

ClinVar aggregate classification (germline): Benign/Likely benign. Review status: criteria provided, multiple submitters, no conflicts (2 of 4 stars). 5 submissions from 5 submitters: Benign (1); Likely benign (4). Last evaluated 2025-02-25.

Conditions:
Classic or attenuated familial adenomatous polyposis. Identifiers: MedGen CN372698, MONDO:0021057.
Hereditary cancer-predisposing syndrome. Also called: Neoplastic Syndromes, Hereditary; Tumor predisposition; Hereditary Cancer Syndrome; Hereditary neoplastic syndrome. Identifiers: Orphanet 140162, MedGen C0027672, MeSH D009386, MONDO:0015356.
Familial adenomatous polyposis 1 (FAP1). Also called: FAMILIAL ADENOMATOUS POLYPOSIS 1, ATTENUATED; POLYPOSIS, ADENOMATOUS INTESTINAL. Identifiers: MedGen C2713442, MONDO:0021056, OMIM 175100. Disease mechanism: loss of function.

Allele frequency attached by ClinVar (database versions not stated): TOPMed 0.00001.

Submissions (5):

Labcorp Genetics (formerly Invitae), Labcorp
Classification: Likely benign for Familial adenomatous polyposis 1. Last evaluated: 2025-02-25. Review status: criteria provided, single submitter. Criteria: Invitae Variant Classification Sherloc (09022015). Collection method: clinical testing. Allele origin: germline.

All of Us Research Program, National Institutes of Health
Classification: Likely benign for Classic or attenuated familial adenomatous polyposis. Last evaluated: 2024-05-30. Review status: criteria provided, single submitter. Criteria: ACMG Guidelines, 2015. Collection method: clinical testing. Allele origin: germline. Inheritance: Autosomal dominant inheritance. Observed: 2 variant alleles, 2 heterozygotes.
Comment: This study involves interpretation of variants in research participants for the purpose of population health screening. Participant phenotype was not available at the time of variant classification. Additional details can be found in publication PMID: 35346344, PMCID: PMC8962531

Myriad Genetics, Inc.
Classification: Benign for Familial adenomatous polyposis 1. Last evaluated: 2024-03-22. Review status: criteria provided, single submitter. Criteria: Myriad Autosomal Dominant, Autosomal Recessive and X-Linked Classification Criteria (2023). Collection method: clinical testing. Allele origin: unknown.
Comment: This variant is considered benign. This variant is a silent/synonymous amino acid change and it is not expected to impact splicing.

Ambry Genetics
Classification: Likely benign for Hereditary cancer-predisposing syndrome. Last evaluated: 2020-09-22. Review status: criteria provided, single submitter. Criteria: Ambry Variant Classification Scheme 2023. Collection method: clinical testing. Allele origin: germline.

Color Diagnostics, LLC DBA Color Health
Classification: Likely benign for Hereditary cancer-predisposing syndrome. Last evaluated: 2019-11-21. Review status: criteria provided, single submitter. Criteria: ACMG Guidelines, 2015. Collection method: clinical testing. Allele origin: germline.

NM_000038.6(APC):c.3792A>G (p.Val1264=)

Gene: APC (APC regulator of Wnt signaling pathway; plus strand). Cytogenetic location: 5q22.2.
Variant type: single nucleotide variant.
Coding change: c.3792A>G on transcript NM_000038.6 (MANE Select); coding-DNA position 3792, A replaced by G.
Protein change: p.Val1264=; no amino-acid change (valine 1264 retained).
Molecular consequence: synonymous variant.
Genome position (GRCh38, 1-based): chr5:112,839,386, A>G. VCF-style: chr5-112839386-A-G. GRCh37 (hg19) VCF-style: chr5-112175083-A-G.
Other names: c.3792A>G, p.Val1264= (NM_001127510.3, NM_001354895.2); c.3738A>G, p.Val1246= (NM_001127511.3); c.3846A>G, p.Val1282= (NM_001354896.2); c.3822A>G, p.Val1274= (NM_001354897.2); c.3717A>G, p.Val1239= (NM_001354898.2); c.3708A>G, p.Val1236= (NM_001354899.2); c.3669A>G, p.Val1223= (NM_001354900.2); c.3615A>G, p.Val1205= (NM_001354901.2); and 5 more.
Identifiers: ClinVar variation 924960 (VCV000924960.14), dbSNP rs1765523305, ClinGen allele CA445963698.